The following is an entry in ClinVar:

ClinVar aggregate classification (germline): Uncertain significance (1 of 4 stars; one submission).

Conditions:
Hereditary cancer-predisposing syndrome. Also called: Tumor predisposition; Hereditary neoplastic syndrome; Hereditary Cancer Syndrome; Neoplastic Syndromes, Hereditary. Identifiers: Orphanet 140162, MedGen C0027672, MeSH D009386, MONDO:0015356.

Submission:

Ambry Genetics
Classification: Uncertain significance for Hereditary cancer-predisposing syndrome. Last evaluated: 2023-09-28. Review status: criteria provided, single submitter. Criteria: Ambry Variant Classification Scheme 2023. Collection method: clinical testing. Allele origin: germline.
Comment: The c.3258_3259delAGinsCC variant (also known as p.A1087P), located in coding exon 23 of the MSH3 gene, results from an in-frame deletion of AG and insertion of CC at nucleotide positions 3258 to 3259. This results in the substitution of the alanine residue for a proline residue at codon 1087, an amino acid with highly similar properties. This amino acid position is highly conserved in available vertebrate species. In addition, the in silico prediction for this alteration is inconclusive (Choi Y et al. PLoS ONE. 2012; 7(10):e46688). Since supporting evidence is limited at this time, the clinical significance of this alteration remains unclear.

NM_002439.5(MSH3):c.3258_3259delinsCC (p.Ala1087Pro)

Gene: MSH3 (mutS homolog 3; plus strand). Cytogenetic location: 5q14.1.
Variant type: Indel.
Coding change: c.3258_3259delinsCC on transcript NM_002439.5 (MANE Select); coding-DNA positions 3258 to 3259, AG replaced by CC.
Protein change: p.Ala1087Pro; replaces alanine 1087 with proline.
Molecular consequence: missense variant.
Genome position (GRCh38, 1-based): chr5:80,873,243-80,873,244, AG replaced by CC. VCF-style: chr5-80873243-AG-CC. GRCh37 (hg19) VCF-style: chr5-80169062-AG-CC.
Other names: short protein forms A1087P.
Identifiers: ClinVar variation 3222291 (VCV003222291.1), dbSNP rs2478805429, ClinGen allele CA2825001442.